The following is an entry in ClinVar:

ClinVar aggregate classification (germline): Uncertain significance (1 of 4 stars; one submission).

Conditions:
Fanconi anemia complementation group O. Also called: RAD51C-Related Fanconi Anemia. Identifiers: Orphanet 84, MedGen C3150653, MONDO:0013248, OMIM 613390.

Submission:

Labcorp Genetics (formerly Invitae), Labcorp
Classification: Uncertain significance for Fanconi anemia complementation group O. Last evaluated: 2023-01-14. Review status: criteria provided, single submitter. Criteria: Invitae Variant Classification Sherloc (09022015). Collection method: clinical testing. Allele origin: germline.
Comment: In summary, the available evidence is currently insufficient to determine the role of this variant in disease. Therefore, it has been classified as a Variant of Uncertain Significance. Advanced modeling of protein sequence and biophysical properties (such as structural, functional, and spatial information, amino acid conservation, physicochemical variation, residue mobility, and thermodynamic stability) performed at Invitae indicates that this missense variant is not expected to disrupt RAD51C protein function. This variant has not been reported in the literature in individuals affected with RAD51C-related conditions. This variant is not present in population databases (gnomAD no frequency). This sequence change replaces leucine, which is neutral and non-polar, with arginine, which is basic and polar, at codon 172 of the RAD51C protein (p.Leu172Arg).

NM_058216.3(RAD51C):c.515T>G (p.Leu172Arg)

Gene: RAD51C (RAD51 paralog C; plus strand). Cytogenetic location: 17q22.
Variant type: single nucleotide variant.
Coding change: c.515T>G on transcript NM_058216.3 (MANE Select); coding-DNA position 515, T replaced by G.
Protein change: p.Leu172Arg; replaces leucine 172 with arginine.
Molecular consequence: missense variant.
Genome position (GRCh38, 1-based): chr17:58,696,803, T>G. VCF-style: chr17-58696803-T-G. GRCh37 (hg19) VCF-style: chr17-56774164-T-G.
Other names: short protein forms L172R.
Identifiers: ClinVar variation 2780695 (VCV002780695.3), dbSNP rs2143747999, ClinGen allele CA400345043.